The following is an entry in ClinVar:

ClinVar aggregate classification (germline): Pathogenic (1 of 4 stars; one submission).

Conditions:
Tuberous sclerosis 2 (TSC2). Identifiers: Orphanet 805, MedGen C1860707, MONDO:0013199, OMIM 613254.

Submission:

Labcorp Genetics (formerly Invitae), Labcorp
Classification: Pathogenic for Tuberous sclerosis 2. Last evaluated: 2022-07-21. Review status: criteria provided, single submitter. Criteria: Invitae Variant Classification Sherloc (09022015). Collection method: clinical testing. Allele origin: germline.
Comment: For these reasons, this variant has been classified as Pathogenic. ClinVar contains an entry for this variant (Variation ID: 1454625). This variant has not been reported in the literature in individuals affected with TSC2-related conditions. This variant is not present in population databases (gnomAD no frequency). This sequence change creates a premature translational stop signal (p.Leu578Profs*11) in the TSC2 gene. It is expected to result in an absent or disrupted protein product. Loss-of-function variants in TSC2 are known to be pathogenic (PMID: 10205261, 17304050).

Literature cited by the submitters: PubMed 10205261; PubMed 17304050.

NM_000548.5(TSC2):c.1732dup (p.Leu578fs)

Gene: TSC2 (TSC complex subunit 2; plus strand). Cytogenetic location: 16p13.3.
Variant type: Duplication.
Coding change: c.1732dup on transcript NM_000548.5 (MANE Select); coding-DNA position 1732, one base duplicated (C; older notation c.1732dupC).
Protein change: p.Leu578fs; shifts the reading frame from leucine 578.
Molecular consequence: frameshift variant.
Genome position (GRCh38, 1-based): chr16:2,070,471, C duplicated; the last of 3 consecutive C bases (chr16:2,070,469-2,070,471); duplicating any one gives the same sequence. VCF-style (leftmost placement, unchanged base first): chr16-2070468-A-AC. GRCh37 (hg19) VCF-style: chr16-2120469-A-AC.
Other names: c.1732dup, p.Leu578fs (NM_001077183.3, NM_001114382.3, NM_001363528.2 and 3 more transcripts); c.1621dup, p.Leu541fs (NM_001318827.2); c.1585dup, p.Leu529fs (NM_001318829.2); c.1132dup, p.Leu378fs (NM_001318831.2); c.1765dup, p.Leu589fs (NM_001318832.2); short protein forms L541fs, L529fs, L578fs, L589fs, L378fs.
Identifiers: ClinVar variation 1454625 (VCV001454625.6), dbSNP rs2151278146, ClinGen allele CA2573151517.